The following is an entry in ClinVar:

ClinVar aggregate classification (germline): Uncertain significance (1 of 4 stars; one submission).

gnomAD v4.1: 5 of 1,598,556 alleles (0.00031%); highest among the groups gnomAD compares: Non-Finnish European, 0.00043%; no homozygotes.

Submission:

Labcorp Genetics (formerly Invitae), Labcorp
Classification: Uncertain significance. Last evaluated: 2025-03-13. Review status: criteria provided, single submitter. Criteria: Invitae Variant Classification Sherloc (09022015). Collection method: clinical testing. Allele origin: germline.
Comment: This sequence change affects codon 406 of the IL23R mRNA. It is a 'silent' change, meaning that it does not change the encoded amino acid sequence of the IL23R protein. This variant is not present in population databases (gnomAD no frequency). This variant has not been reported in the literature in individuals affected with IL23R-related conditions. Algorithms developed to predict the effect of sequence changes on RNA splicing suggest that this variant may disrupt the consensus splice site. In summary, the available evidence is currently insufficient to determine the role of this variant in disease. Therefore, it has been classified as a Variant of Uncertain Significance.

NM_144701.3(IL23R):c.1218C>T (p.Ser406=)

Gene: IL23R (interleukin 23 receptor; plus strand). Cytogenetic location: 1p31.3.
Variant type: single nucleotide variant.
Coding change: c.1218C>T on transcript NM_144701.3 (MANE Select); coding-DNA position 1218, C replaced by T.
Protein change: p.Ser406=; no amino-acid change (serine 406 retained).
Molecular consequence: synonymous variant.
Genome position (GRCh38, 1-based): chr1:67,255,906, C>T. VCF-style: chr1-67255906-C-T. GRCh37 (hg19) VCF-style: chr1-67721589-C-T.
Identifiers: ClinVar variation 4812112 (VCV004812112.1).
Genomic context (GRCh38, chr1:67,255,906, plus strand): 5'-AAGGATCTTATTGTTAATACCAAAGTGGCTTTATGAAGATATTCCTAATATGAAAAACAG[C>T]AATGTTGTGAAAATGCTACAGGTAACCTAACATCATCCAACAAAAACTGAGTGGCAATTG-3'
Protein context (NP_653302.2, residues 396-416): LYEDIPNMKN[Ser406=]NVVKMLQENS